The following is an entry in ClinVar:

ClinVar aggregate classification (germline): Uncertain significance (1 of 4 stars; one submission).

Submission:

GeneDx
Classification: Uncertain significance. Last evaluated: 2023-09-30. Review status: criteria provided, single submitter. Criteria: GeneDx Variant Classification Process June 2021. Collection method: clinical testing. Allele origin: germline. Affected: yes.
Comment: Not observed at significant frequency in large population cohorts (gnomAD); Has not been previously published as pathogenic or benign to our knowledge; In-silico analysis is inconclusive as to whether the variant impacts protein structure/function. In the absence of functional studies, the actual effect of this sequence change is unknown

NM_019066.5(MAGEL2):c.2387T>A (p.Phe796Tyr)

Gene: MAGEL2 (MAGE family member L2; minus strand). Cytogenetic location: 15q11.2.
Variant type: single nucleotide variant.
Coding change: c.2387T>A on transcript NM_019066.5 (MANE Select); coding-DNA position 2387, T replaced by A.
Protein change: p.Phe796Tyr; replaces phenylalanine 796 with tyrosine.
Molecular consequence: missense variant.
Genome position (GRCh38, 1-based): chr15:23,645,356, A>T on the plus strand (T>A on the coding strand, the complement: MAGEL2 is on the minus strand). VCF-style: chr15-23645356-A-T. GRCh37 (hg19) VCF-style: chr15-23890503-A-T.
Other names: short protein forms F796Y.
Identifiers: ClinVar variation 3252448 (VCV003252448.1), dbSNP rs2503977319.